The following is an entry in ClinVar:

ClinVar aggregate classification (germline): Uncertain significance (1 of 4 stars; one submission).

Conditions:
Hereditary pancreatitis (PCTT). Also called: Hereditary chronic pancreatitis; PRSS1-Related Hereditary Pancreatitis. Identifiers: Orphanet 676, MedGen C0238339, MONDO:0008185, OMIM 167800.

gnomAD v4.1: 3 of 1,613,940 alleles (0.00019%); highest among the groups gnomAD compares: South Asian, 0.0022%; no homozygotes.

Submission:

Ambry Genetics
Classification: Uncertain significance for Hereditary pancreatitis. Last evaluated: 2023-11-13. Review status: criteria provided, single submitter. Criteria: Ambry Variant Classification Scheme 2023. Collection method: clinical testing. Allele origin: germline.
Comment: The p.A120V variant (also known as c.359C>T), located in coding exon 3 of the CPA1 gene, results from a C to T substitution at nucleotide position 359. The alanine at codon 120 is replaced by valine, an amino acid with similar properties. This amino acid position is conserved. In addition, this alteration is predicted to be tolerated by in silico analysis. Since supporting evidence is limited at this time, the clinical significance of this alteration remains unclear.

NM_001868.4(CPA1):c.359C>T (p.Ala120Val)

Gene: CPA1 (carboxypeptidase A1; plus strand). Cytogenetic location: 7q32.2.
Variant type: single nucleotide variant.
Coding change: c.359C>T on transcript NM_001868.4 (MANE Select); coding-DNA position 359, C replaced by T.
Protein change: p.Ala120Val; replaces alanine 120 with valine.
Molecular consequence: missense variant.
Genome position (GRCh38, 1-based): chr7:130,381,841, C>T. VCF-style: chr7-130381841-C-T. GRCh37 (hg19) VCF-style: chr7-130021682-C-T.
Other names: short protein forms A120V.
Identifiers: ClinVar variation 1733044 (VCV001733044.2), dbSNP rs782397100, ClinGen allele CA369280479.